The following is an entry in ClinVar:

ClinVar aggregate classification (germline): Benign (1 of 4 stars; one submission).

Allele frequency attached by ClinVar (database versions not stated): gnomAD 0.51923 and 0.53070; TOPMed 0.51975; 1000 Genomes Project 30x 0.53326; 1000 Genomes Project 0.53874.
gnomAD v4.1: 80,951 of 152,050 alleles (53%); highest among the groups gnomAD compares: East Asian, 77%; 25,799 homozygotes.

Submission:

GeneDx
Classification: Benign. Last evaluated: 2018-06-14. Review status: criteria provided, single submitter. Criteria: GeneDx Variant Classification (06012015). Collection method: clinical testing. Allele origin: germline. Affected: yes.
Comment: This variant is considered likely benign or benign based on one or more of the following criteria: it is a conservative change, it occurs at a poorly conserved position in the protein, it is predicted to be benign by multiple in silico algorithms, and/or has population frequency not consistent with disease.

NM_001854.4(COL11A1):c.3979-302T>C

Gene: COL11A1 (collagen type XI alpha 1 chain; minus strand). Cytogenetic location: 1p21.1.
Variant type: single nucleotide variant.
Coding change: c.3979-302T>C on transcript NM_001854.4 (MANE Select); 302 bases into the intron before coding-DNA position 3979, T replaced by C.
Molecular consequence: intron variant.
Genome position (GRCh38, 1-based): chr1:102,913,992, A>G on the plus strand (T>C on the coding strand, the complement: COL11A1 is on the minus strand). VCF-style: chr1-102913992-A-G. GRCh37 (hg19) VCF-style: chr1-103379548-A-G.
Other names: c.3862-302T>C (NM_001190709.2); c.4015-302T>C (NM_080629.3); c.3631-302T>C (NM_080630.4).
Identifiers: ClinVar variation 681203 (VCV000681203.1), dbSNP rs4908272, ClinGen allele CA27676203.
Genomic context (GRCh38, chr1:102,913,992, plus strand): 5'-AGGAAGAAAGAAGATGTCATTAGTATACAATGTCAGTGAATCATTTCACCATGAACAAAT[A>G]TGGTATAGTTTGAAATAGGATTTGCATTATAGAAGAGAAACAGAAAAGCAAAGATCCTGT-3'